The following is an entry in ClinVar:

ClinVar aggregate classification (germline): Pathogenic (1 of 4 stars; one submission).

Conditions:
Peutz-Jeghers syndrome (PJS). Also called: Peutz-Jeghers polyposis; Periorificial lentiginosis syndrome; POLYPOSIS, HAMARTOMATOUS INTESTINAL; POLYPS-AND-SPOTS SYNDROME. Identifiers: Orphanet 2869, MedGen C0031269, MeSH D010580, MONDO:0008280, OMIM 175200.

Submission:

Labcorp Genetics (formerly Invitae), Labcorp
Classification: Pathogenic for Peutz-Jeghers syndrome. Last evaluated: 2021-12-31. Review status: criteria provided, single submitter. Criteria: Invitae Variant Classification Sherloc (09022015). Collection method: clinical testing. Allele origin: germline.
Comment: This variant is not present in population databases (gnomAD no frequency). For these reasons, this variant has been classified as Pathogenic. This variant has not been reported in the literature in individuals affected with STK11-related conditions. This sequence change creates a premature translational stop signal (p.Lys296*) in the STK11 gene. It is expected to result in an absent or disrupted protein product. Loss-of-function variants in STK11 are known to be pathogenic (PMID: 15188174, 16287113).

Literature cited by the submitters: PubMed 15188174; PubMed 16287113.

NM_000455.5(STK11):c.886A>T (p.Lys296Ter)

Gene: STK11 (serine/threonine kinase 11; plus strand). Cytogenetic location: 19p13.3.
Variant type: single nucleotide variant.
Coding change: c.886A>T on transcript NM_000455.5 (MANE Select); coding-DNA position 886, A replaced by T.
Protein change: p.Lys296Ter; replaces lysine 296 with a stop codon.
Molecular consequence: nonsense.
Genome position (GRCh38, 1-based): chr19:1,221,972, A>T. VCF-style: chr19-1221972-A-T. GRCh37 (hg19) VCF-style: chr19-1221971-A-T.
Other names: c.886A>T, p.Lys296Ter (NM_001407255.1); short protein forms K296*.
Identifiers: ClinVar variation 2067585 (VCV002067585.4), dbSNP rs2145428724, ClinGen allele CA402951226.